The following is an entry in ClinVar:

NM_001267550.2(TTN):c.83116G>T (p.Glu27706Ter)

Genes: TTN (titin; minus strand), TTN-AS1 (TTN antisense RNA 1; plus strand). Cytogenetic location: 2q31.2.
Variant type: single nucleotide variant.
Coding change: c.83116G>T on transcript NM_001267550.2 (MANE Select); coding-DNA position 83116, G replaced by T.
Protein change: p.Glu27706Ter; replaces glutamic acid 27706 with a stop codon.
Molecular consequence: nonsense.
Genome position (GRCh38, 1-based): chr2:178,563,016, C>A on the plus strand (G>T on the coding strand, the complement: TTN is on the minus strand). VCF-style: chr2-178563016-C-A. GRCh37 (hg19) VCF-style: chr2-179427743-C-A.
Other names: c.78193G>T, p.Glu26065Ter (NM_001256850.1); c.55921G>T, p.Glu18641Ter (NM_003319.4); c.75412G>T, p.Glu25138Ter (NM_133378.4); c.56296G>T, p.Glu18766Ter (NM_133432.3); c.56497G>T, p.Glu18833Ter (NM_133437.4); short protein forms E18766*, E18833*, E25138*, E26065*, E18641*, E27706*.
Identifiers: ClinVar variation 4824750 (VCV004824750.1).

ClinVar aggregate classification (germline): Likely pathogenic (1 of 4 stars; one submission).

Conditions:
Cardiovascular phenotype. Identifiers: MedGen CN230736.

Submission:

Ambry Genetics
Classification: Likely pathogenic for Cardiovascular phenotype. Last evaluated: 2026-02-13. Review status: criteria provided, single submitter. Criteria: Ambry Variant Classification Scheme 2023. Collection method: clinical testing. Allele origin: germline.
Comment: The p.E18641* variant (also known as c.55921G>T), located in coding exon 153 of the TTN gene, results from a G to T substitution at nucleotide position 55921. This changes the amino acid from a glutamic acid to a stop codon within coding exon 153. This exon is located in the A-band region of the N2-B isoform of the titin protein and is constitutively expressed in TTN transcripts (percent spliced in or PSI 100%). This variant is expected to result in loss of function by premature protein truncation or nonsense-mediated mRNA decay. While truncating variants in TTN are present in 1-3% of the general population, truncating variants in the A-band are the most common cause of dilated cardiomyopathy (Herman DS et al. N. Engl. J. Med., 2012 Feb;366:619-28; Roberts AM et al. Sci Transl Med, 2015 Jan;7:270ra6). TTN truncating variants encoded in constitutive exons (PSI >90%) have been found to be significantly associated with DCM regardless of their position in titin (Schafer S et al. Nat. Genet., 2017 01;49:46-53; Akhtar MM et al. Circ Heart Fail, 2020 Oct;13:e006832; Massier M et al. Clin Genet, 2025 Jan). This variant is expected to result in loss of function by premature protein truncation or nonsense-mediated mRNA decay. While truncating variants in TTN are present in 1-3% of the general population, truncating variants in the A-band are the most common cause of dilated cardiomyopathy (Herman DS et al. N. Engl. J. Med., 2012 Feb;366:619-28; Roberts AM et al. Sci Transl Med, 2015 Jan;7:270ra6). TTN truncating variants encoded in constitutive exons (PSI >90%) have been found to be significantly associated with DCM regardless of their position in titin (Schafer S et al. Nat. Genet., 2017 01;49:46-53; Akhtar MM et al. Circ Heart Fail, 2020 Oct;13:e006832; Massier M et al. Clin Genet, 2025 Jan). This variant is considered to be rare based on population cohorts in the Genome Aggregation Database (gnomAD). Based on the majority of available evidence to date, this variant is likely to be pathogenic.